The following is an entry in ClinVar:

ClinVar aggregate classification (germline): Likely benign (1 of 4 stars; one submission).

Allele frequency attached by ClinVar (database versions not stated): ExAC 0.00011; gnomAD 0.00023; gnomAD exomes 0.00034; ESP Exome Variant Server 0.00062.
gnomAD v4.1: 533 of 1,606,368 alleles (0.033%); highest among the groups gnomAD compares: Middle Eastern, 0.045%; no homozygotes.

Submission:

CeGaT Center for Human Genetics Tuebingen
Classification: Likely benign. Last evaluated: 2024-07-01. Review status: criteria provided, single submitter. Criteria: CeGaT Center For Human Genetics Tuebingen Variant Classification Criteria Version 2. Collection method: clinical testing. Allele origin: germline. Affected: yes. Observed: 4 variant alleles.
Comment: KMT2C: PP2, BS2

NM_170606.3(KMT2C):c.2749G>A (p.Gly917Arg)

Gene: KMT2C (lysine methyltransferase 2C; minus strand). Cytogenetic location: 7q36.1.
Variant type: single nucleotide variant.
Coding change: c.2749G>A on transcript NM_170606.3 (MANE Select); coding-DNA position 2749, G replaced by A.
Protein change: p.Gly917Arg; replaces glycine 917 with arginine.
Molecular consequence: missense variant.
Genome position (GRCh38, 1-based): chr7:152,235,837, C>T on the plus strand (G>A on the coding strand, the complement: KMT2C is on the minus strand). VCF-style: chr7-152235837-C-T. GRCh37 (hg19) VCF-style: chr7-151932922-C-T.
Other names: short protein forms G917R.
Identifiers: ClinVar variation 2658232 (VCV002658232.24), dbSNP rs145833795, ClinGen allele CA4581059.